The following is an entry in ClinVar:

ClinVar aggregate classification (germline): Uncertain significance (1 of 4 stars; one submission).

Conditions:
Brugada syndrome 4 (BRGDA4). Identifiers: Orphanet 130, MedGen C2678477, MONDO:0012743, OMIM 611876.

gnomAD v4.1: 1 of 1,614,028 alleles (0.000062%); highest among the groups gnomAD compares: Non-Finnish European, 0.000085%; no homozygotes.

Submission:

Labcorp Genetics (formerly Invitae), Labcorp
Classification: Uncertain significance for Brugada syndrome 4. Last evaluated: 2025-04-20. Review status: criteria provided, single submitter. Criteria: Invitae Variant Classification Sherloc (09022015). Collection method: clinical testing. Allele origin: germline.
Comment: This sequence change replaces threonine, which is neutral and polar, with isoleucine, which is neutral and non-polar, at codon 24 of the CACNB2 protein (p.Thr24Ile). This variant is not present in population databases (gnomAD no frequency). This variant has not been reported in the literature in individuals affected with CACNB2-related conditions. Invitae Evidence Modeling of protein sequence and biophysical properties (such as structural, functional, and spatial information, amino acid conservation, physicochemical variation, residue mobility, and thermodynamic stability) indicates that this missense variant is not expected to disrupt CACNB2 protein function with a negative predictive value of 80%. In summary, the available evidence is currently insufficient to determine the role of this variant in disease. Therefore, it has been classified as a Variant of Uncertain Significance.

NM_201596.3(CACNB2):c.233C>T (p.Thr78Ile)

Gene: CACNB2 (calcium voltage-gated channel auxiliary subunit beta 2; plus strand). Cytogenetic location: 10p12.31.
Variant type: single nucleotide variant.
Coding change: c.233C>T on transcript NM_201596.3 (MANE Select); coding-DNA position 233, C replaced by T.
Protein change: p.Thr78Ile; replaces threonine 78 with isoleucine.
Molecular consequence: missense variant.
Genome position (GRCh38, 1-based): chr10:18,401,943, C>T. VCF-style: chr10-18401943-C-T. GRCh37 (hg19) VCF-style: chr10-18690872-C-T.
Other names: c.68C>T, p.Thr23Ile (NM_000724.4, NM_001330060.2); c.149C>T, p.Thr50Ile (NM_001167945.2, NM_201571.4, NM_201572.4); c.89C>T, p.Thr30Ile (NM_001410882.1, NM_201570.3); c.71C>T, p.Thr24Ile (NM_201590.3); c.233C>T, p.Thr78Ile (NM_201593.3, NM_201597.3); short protein forms T23I, T50I, T24I, T30I, T78I.
Identifiers: ClinVar variation 4749943 (VCV004749943.1).